The following is an entry in ClinVar:

NM_002972.4(SBF1):c.3613G>C (p.Val1205Leu)

Gene: SBF1 (SET binding factor 1; minus strand). Cytogenetic location: 22q13.33.
Variant type: single nucleotide variant.
Coding change: c.3613G>C on transcript NM_002972.4 (MANE Select); coding-DNA position 3613, G replaced by C.
Protein change: p.Val1205Leu; replaces valine 1205 with leucine.
Molecular consequence: missense variant.
Genome position (GRCh38, 1-based): chr22:50,459,545, C>G on the plus strand (G>C on the coding strand, the complement: SBF1 is on the minus strand). VCF-style: chr22-50459545-C-G. GRCh37 (hg19) VCF-style: chr22-50897974-C-G.
Other names: c.3613G>C (NM_002972.2); c.3616G>C, p.Val1206Leu (NM_001365819.1); short protein forms V1205L, V1206L.
Identifiers: ClinVar variation 1162892 (VCV001162892.13), dbSNP rs775696633, ClinGen allele CA10316639.

ClinVar aggregate classification (germline): Uncertain significance. Review status: criteria provided, multiple submitters, no conflicts (2 of 4 stars). 4 submissions from 4 submitters: Uncertain significance (4). Last evaluated 2025-11-26.

Allele frequency attached by ClinVar (database versions not stated): gnomAD exomes 0.00003; gnomAD 0.00014.

Submissions (4):

Ambry Genetics
Classification: Uncertain significance. Last evaluated: 2025-11-26. Review status: criteria provided, single submitter. Criteria: Ambry Variant Classification Scheme 2023. Collection method: clinical testing. Allele origin: germline.

Blueprint Genetics
Classification: Uncertain significance. Last evaluated: 2024-09-12. Review status: criteria provided, single submitter. Criteria: ACMG Guidelines, 2015. Collection method: clinical testing. Allele origin: germline.

Labcorp Genetics (formerly Invitae), Labcorp
Classification: Uncertain significance. Last evaluated: 2023-12-01. Review status: criteria provided, single submitter. Criteria: Invitae Variant Classification Sherloc (09022015). Collection method: clinical testing. Allele origin: germline.
Comment: This sequence change replaces valine, which is neutral and non-polar, with leucine, which is neutral and non-polar, at codon 1205 of the SBF1 protein (p.Val1205Leu). This variant is present in population databases (rs775696633, gnomAD 0.006%). This variant has not been reported in the literature in individuals affected with SBF1-related conditions. ClinVar contains an entry for this variant (Variation ID: 1162892). An algorithm developed to predict the effect of missense changes on protein structure and function (PolyPhen-2) suggests that this variant is likely to be disruptive. In summary, the available evidence is currently insufficient to determine the role of this variant in disease. Therefore, it has been classified as a Variant of Uncertain Significance.

Mayo Clinic Laboratories, Mayo Clinic
Classification: Uncertain significance. Last evaluated: 2019-10-27. Review status: criteria provided, single submitter. Criteria: ACMG Guidelines, 2015. Collection method: clinical testing. Allele origin: germline. Observed: 1 variant allele.